The following is an entry in ClinVar:

ClinVar aggregate classification (germline): Uncertain significance. Review status: criteria provided, multiple submitters, no conflicts (2 of 4 stars). 2 submissions from 2 submitters: Uncertain significance (2). Last evaluated 2025-09-16.

Conditions:
Hereditary cancer-predisposing syndrome. Also called: Tumor predisposition; Hereditary Cancer Syndrome; Hereditary neoplastic syndrome; Neoplastic Syndromes, Hereditary. Identifiers: Orphanet 140162, MedGen C0027672, MeSH D009386, MONDO:0015356.
POLD1-related polyposis and colorectal cancer syndrome (CRCS10). Also called: Colorectal cancer 10; COLORECTAL CANCER, SUSCEPTIBILITY TO, ON CHROMOSOME 19q; Colorectal cancer, susceptibility to, 10. Identifiers: Orphanet 220460, MedGen C2675481, MONDO:0012953, OMIM 612591.

Allele frequency attached by ClinVar (database versions not stated): gnomAD exomes below 0.00001 and 0.00001.
gnomAD v4.1: 6 of 1,576,922 alleles (0.00038%); highest among the groups gnomAD compares: Non-Finnish European, 0.00052%; no homozygotes.

Submissions (2):

Labcorp Genetics (formerly Invitae), Labcorp
Classification: Uncertain significance for POLD1-related polyposis and colorectal cancer syndrome. Last evaluated: 2025-09-16. Review status: criteria provided, single submitter. Criteria: Invitae Variant Classification Sherloc (09022015). Collection method: clinical testing. Allele origin: germline.
Comment: This sequence change replaces glutamic acid, which is acidic and polar, with aspartic acid, which is acidic and polar, at codon 287 of the POLD1 protein (p.Glu287Asp). The frequency data for this variant in the population databases is considered unreliable, as metrics indicate poor data quality at this position in the gnomAD database. This variant has not been reported in the literature in individuals affected with POLD1-related conditions. ClinVar contains an entry for this variant (Variation ID: 1009607). Invitae Evidence Modeling of protein sequence and biophysical properties (such as structural, functional, and spatial information, amino acid conservation, physicochemical variation, residue mobility, and thermodynamic stability) indicates that this missense variant is not expected to disrupt POLD1 protein function with a negative predictive value of 80%. In summary, the available evidence is currently insufficient to determine the role of this variant in disease. Therefore, it has been classified as a Variant of Uncertain Significance.

Ambry Genetics
Classification: Uncertain significance for Hereditary cancer-predisposing syndrome. Last evaluated: 2024-02-12. Review status: criteria provided, single submitter. Criteria: Ambry Variant Classification Scheme 2023. Collection method: clinical testing. Allele origin: germline.
Comment: The p.E287D variant (also known as c.861G>T), located in coding exon 7 of the POLD1 gene, results from a G to T substitution at nucleotide position 861. The glutamic acid at codon 287 is replaced by aspartic acid, an amino acid with highly similar properties. This amino acid position is conserved. In addition, the in silico prediction for this alteration is inconclusive. Since supporting evidence is limited at this time, the clinical significance of this alteration remains unclear.

NM_002691.4(POLD1):c.861G>T (p.Glu287Asp)

Gene: POLD1 (DNA polymerase delta 1, catalytic subunit; plus strand). Cytogenetic location: 19q13.33.
Variant type: single nucleotide variant.
Coding change: c.861G>T on transcript NM_002691.4 (MANE Select); coding-DNA position 861, G replaced by T.
Protein change: p.Glu287Asp; replaces glutamic acid 287 with aspartic acid.
Molecular consequence: missense variant. On other transcripts: non-coding transcript variant (1).
Genome position (GRCh38, 1-based): chr19:50,402,632, G>T. VCF-style: chr19-50402632-G-T. GRCh37 (hg19) VCF-style: chr19-50905889-G-T.
Other names: c.861G>T, p.Glu287Asp (NM_001256849.1, NM_001308632.1); short protein forms E287D.
Identifiers: ClinVar variation 1009607 (VCV001009607.9), dbSNP rs1356659212, ClinGen allele CA406976747.
Genomic context (GRCh38, chr19:50,402,632, plus strand): 5'-TGGTACCCTGCTGCCACCGCTGACCCACCCATGCCCACAGGCTACGCAGTGCCAGCTGGA[G>T]GCGGACGTGCTGTGGTCTGACGTGGTCAGTCACCCACCGGAAGGGCCATGGCAGCGCATT-3'
Protein context (NP_002682.2, residues 277-297): LKEKATQCQL[Glu287Asp]ADVLWSDVVS